The following is an entry in ClinVar:

NM_015488.5(PNKD):c.867T>C (p.Pro289=)

Genes: CATIP-AS2 (CATIP antisense RNA 2; minus strand), PNKD (PNKD metallo-beta-lactamase domain containing; plus strand). Cytogenetic location: 2q35.
Variant type: single nucleotide variant.
Coding change: c.867T>C on transcript NM_015488.5 (MANE Select); coding-DNA position 867, T replaced by C.
Protein change: p.Pro289=; no amino-acid change (proline 289 retained).
Molecular consequence: synonymous variant.
Genome position (GRCh38, 1-based): chr2:218,343,585, T>C. VCF-style: chr2-218343585-T-C. GRCh37 (hg19) VCF-style: chr2-219208308-T-C.
Other names: c.795T>C, p.Pro265= (NM_022572.5).
Identifiers: ClinVar variation 3655484 (VCV003655484.2).

ClinVar aggregate classification (germline): Uncertain significance (1 of 4 stars; one submission).

Conditions:
Paroxysmal nonkinesigenic dyskinesia. Also called: Paroxysmal non-kinesigenic dyskinesia. Identifiers: Orphanet 98810, MedGen C1869117, MONDO:0700088.

gnomAD v4.1: 2 of 1,610,006 alleles (0.00012%); highest among the groups gnomAD compares: Admixed American, 0.0034%; no homozygotes.

Submission:

Labcorp Genetics (formerly Invitae), Labcorp
Classification: Uncertain significance for Paroxysmal nonkinesigenic dyskinesia. Last evaluated: 2024-06-04. Review status: criteria provided, single submitter. Criteria: Invitae Variant Classification Sherloc (09022015). Collection method: clinical testing. Allele origin: germline.
Comment: This sequence change affects codon 289 of the PNKD mRNA. It is a 'silent' change, meaning that it does not change the encoded amino acid sequence of the PNKD protein. It affects a nucleotide within the consensus splice site. This variant is present in population databases (no rsID available, gnomAD 0.006%). This variant has not been reported in the literature in individuals affected with PNKD-related conditions. Algorithms developed to predict the effect of sequence changes on RNA splicing suggest that this variant is not likely to affect RNA splicing. In summary, the available evidence is currently insufficient to determine the role of this variant in disease. Therefore, it has been classified as a Variant of Uncertain Significance.